The following is an entry in ClinVar:

ClinVar aggregate classification (germline): Uncertain significance (1 of 4 stars; one submission).

gnomAD v4.1: 3 of 1,208,096 alleles (0.00025%); highest among the groups gnomAD compares: East Asian, 0.003%; no homozygotes.

Submission:

Labcorp Genetics (formerly Invitae), Labcorp
Classification: Uncertain significance. Last evaluated: 2024-12-24. Review status: criteria provided, single submitter. Criteria: Invitae Variant Classification Sherloc (09022015). Collection method: clinical testing. Allele origin: germline.
Comment: This sequence change replaces proline, which is neutral and non-polar, with histidine, which is basic and polar, at codon 1032 of the AMER1 protein (p.Pro1032His). This variant is not present in population databases (gnomAD no frequency). This variant has not been reported in the literature in individuals affected with AMER1-related conditions. An algorithm developed to predict the effect of missense changes on protein structure and function (PolyPhen-2) suggests that this variant is likely to be disruptive. In summary, the available evidence is currently insufficient to determine the role of this variant in disease. Therefore, it has been classified as a Variant of Uncertain Significance.

NM_152424.4(AMER1):c.3095C>A (p.Pro1032His)

Gene: AMER1 (APC membrane recruitment protein 1; minus strand). Cytogenetic location: Xq11.2.
Variant type: single nucleotide variant.
Coding change: c.3095C>A on transcript NM_152424.4 (MANE Select); coding-DNA position 3095, C replaced by A.
Protein change: p.Pro1032His; replaces proline 1032 with histidine.
Molecular consequence: missense variant.
Genome position (GRCh38, 1-based): chrX:64,190,192, G>T on the plus strand (C>A on the coding strand, the complement: AMER1 is on the minus strand). VCF-style: chrX-64190192-G-T. GRCh37 (hg19) VCF-style: chrX-63410072-G-T.
Other names: short protein forms P1032H.
Identifiers: ClinVar variation 3701644 (VCV003701644.2).